The following is an entry in ClinVar:

ClinVar aggregate classification (germline): Uncertain significance (1 of 4 stars; one submission).

Submission:

Labcorp Genetics (formerly Invitae), Labcorp
Classification: Uncertain significance. Last evaluated: 2025-07-13. Review status: criteria provided, single submitter. Criteria: Invitae Variant Classification Sherloc (09022015). Collection method: clinical testing. Allele origin: germline.
Comment: This sequence change replaces proline, which is neutral and non-polar, with leucine, which is neutral and non-polar, at codon 430 of the ACVR1 protein (p.Pro430Leu). This variant is not present in population databases (gnomAD no frequency). This variant has not been reported in the literature in individuals affected with ACVR1-related conditions. ClinVar contains an entry for this variant (Variation ID: 3692536). An algorithm developed to predict the effect of missense changes on protein structure and function (PolyPhen-2) suggests that this variant is likely to be disruptive. In summary, the available evidence is currently insufficient to determine the role of this variant in disease. Therefore, it has been classified as a Variant of Uncertain Significance.

NM_001111067.4(ACVR1):c.1289C>T (p.Pro430Leu)

Gene: ACVR1 (activin A receptor type 1; minus strand). Cytogenetic location: 2q24.1.
Variant type: single nucleotide variant.
Coding change: c.1289C>T on transcript NM_001111067.4 (MANE Select); coding-DNA position 1289, C replaced by T.
Protein change: p.Pro430Leu; replaces proline 430 with leucine.
Molecular consequence: missense variant.
Genome position (GRCh38, 1-based): chr2:157,738,546, G>A on the plus strand (C>T on the coding strand, the complement: ACVR1 is on the minus strand). VCF-style: chr2-157738546-G-A. GRCh37 (hg19) VCF-style: chr2-158595058-G-A.
Other names: c.1289C>T, p.Pro430Leu (NM_001105.5, NM_001347663.1, NM_001347664.1 and 3 more transcripts); short protein forms P430L.
Identifiers: ClinVar variation 3692536 (VCV003692536.2).